The following is an entry in ClinVar:

NM_173630.4(RTTN):c.2886-2A>G

Gene: RTTN (rotatin; minus strand). Cytogenetic location: 18q22.2.
Variant type: single nucleotide variant.
Coding change: c.2886-2A>G on transcript NM_173630.4 (MANE Select); the canonical splice acceptor site of the intron before coding-DNA position 2886, A replaced by G.
Molecular consequence: splice acceptor variant.
Genome position (GRCh38, 1-based): chr18:70,134,543, T>C on the plus strand (A>G on the coding strand, the complement: RTTN is on the minus strand). VCF-style: chr18-70134543-T-C. GRCh37 (hg19) VCF-style: chr18-67801779-T-C.
Other names: c.150-2A>G (NM_001318520.2).
Identifiers: ClinVar variation 1923112 (VCV001923112.5), dbSNP rs751679113, ClinGen allele CA8995721.

ClinVar aggregate classification (germline): Likely pathogenic (1 of 4 stars; one submission).

Allele frequency attached by ClinVar (database versions not stated): gnomAD exomes below 0.00001; TOPMed below 0.00001; ExAC 0.00002.
gnomAD v4.1: 3 of 1,598,540 alleles (0.00019%); highest among the groups gnomAD compares: East Asian, 0.0022%; no homozygotes.

Submission:

Labcorp Genetics (formerly Invitae), Labcorp
Classification: Likely pathogenic. Last evaluated: 2024-11-18. Review status: criteria provided, single submitter. Criteria: Invitae Variant Classification Sherloc (09022015). Collection method: clinical testing. Allele origin: germline.
Comment: This sequence change affects an acceptor splice site in intron 22 of the RTTN gene. It is expected to disrupt RNA splicing. Variants that disrupt the donor or acceptor splice site typically lead to a loss of protein function (PMID: 16199547), and loss-of-function variants in RTTN are known to be pathogenic (PMID: 26608784, 26846091). The frequency data for this variant in the population databases is considered unreliable, as metrics indicate poor data quality at this position in the gnomAD database. This variant has not been reported in the literature in individuals affected with RTTN-related conditions. ClinVar contains an entry for this variant (Variation ID: 1923112). Algorithms developed to predict the effect of sequence changes on RNA splicing suggest that this variant may disrupt the consensus splice site. In summary, the currently available evidence indicates that the variant is pathogenic, but additional data are needed to prove that conclusively. Therefore, this variant has been classified as Likely Pathogenic.

Literature cited by the submitters: PubMed 16199547; PubMed 26608784; PubMed 26846091.